The following is an entry in ClinVar:

ClinVar aggregate classification (germline): Uncertain significance (1 of 4 stars; one submission).

Submission:

GeneDx
Classification: Uncertain significance. Last evaluated: 2024-09-23. Review status: criteria provided, single submitter. Criteria: GeneDx Variant Classification Process June 2021. Collection method: clinical testing. Allele origin: germline. Affected: yes.
Comment: Not observed at significant frequency in large population cohorts (gnomAD); In silico analysis supports that this missense variant has a deleterious effect on protein structure/function; Has not been previously published as pathogenic or benign to our knowledge

NM_006662.3(SRCAP):c.2543A>T (p.Gln848Leu)

Gene: SRCAP (Snf2 related CREBBP activator protein; plus strand). Cytogenetic location: 16p11.2.
Variant type: single nucleotide variant.
Coding change: c.2543A>T on transcript NM_006662.3 (MANE Select); coding-DNA position 2543, A replaced by T.
Protein change: p.Gln848Leu; replaces glutamine 848 with leucine.
Molecular consequence: missense variant.
Genome position (GRCh38, 1-based): chr16:30,716,115, A>T. VCF-style: chr16-30716115-A-T. GRCh37 (hg19) VCF-style: chr16-30727436-A-T.
Other names: short protein forms Q848L.
Identifiers: ClinVar variation 3773960 (VCV003773960.1).